The following is an entry in ClinVar:

NM_004398.4(DDX10):c.131C>G (p.Pro44Arg)

Gene: DDX10 (DEAD-box helicase 10; plus strand). Cytogenetic location: 11q22.3.
Variant type: single nucleotide variant.
Coding change: c.131C>G on transcript NM_004398.4 (MANE Select); coding-DNA position 131, C replaced by G.
Protein change: p.Pro44Arg; replaces proline 44 with arginine.
Molecular consequence: missense variant.
Genome position (GRCh38, 1-based): chr11:108,665,284, C>G. VCF-style: chr11-108665284-C-G. GRCh37 (hg19) VCF-style: chr11-108536011-C-G.
Other names: short protein forms P44R.
Identifiers: ClinVar variation 777859 (VCV000777859.6), dbSNP rs149622934, ClinGen allele CA6268454.

ClinVar aggregate classification (germline): Likely benign. Review status: criteria provided, multiple submitters, no conflicts (2 of 4 stars). 3 submissions from 3 submitters: Likely benign (2). 1 of the submissions does not count toward it. Last evaluated 2017-09-29.

Conditions:
DDX10-related disorder. Also called: DDX10-related condition.

Allele frequency attached by ClinVar (database versions not stated): gnomAD exomes 0.00251 and 0.00212; 1000 Genomes Project 30x 0.00047; 1000 Genomes Project 0.00060; ESP Exome Variant Server 0.00138; TOPMed 0.00189; ExAC 0.00200; gnomAD 0.00207 and 0.00212.
gnomAD v4.1: 3,981 of 1,607,396 alleles (0.25%); highest among the groups gnomAD compares: Non-Finnish European, 0.27%; 11 homozygotes.

Submissions (3):

Labcorp Genetics (formerly Invitae), Labcorp
Classification: Likely benign. Last evaluated: 2017-09-29. Review status: criteria provided, single submitter. Criteria: Invitae Variant Classification Sherloc (09022015). Collection method: clinical testing. Allele origin: germline.

Breakthrough Genomics
Classification: Likely benign. Review status: criteria provided, single submitter. Criteria: ACMG Guidelines, 2015. Collection method: not provided. Allele origin: germline. Inheritance: Unknown mechanism. Affected: yes.

PreventionGenetics, part of Exact Sciences
Classification: Benign for DDX10-related condition. Last evaluated: 2019-07-08. Review status: no assertion criteria provided. Collection method: clinical testing. Allele origin: germline. Not counted in ClinVar's aggregate classification.
Comment: This variant is classified as benign based on ACMG/AMP sequence variant interpretation guidelines (Richards et al. 2015 PMID: 25741868, with internal and published modifications).